The following is an entry in ClinVar:

NM_000071.3(CBS):c.260C>T (p.Thr87Ile)

Gene: CBS (cystathionine beta-synthase; minus strand). Cytogenetic location: 21q22.3.
Variant type: single nucleotide variant.
Coding change: c.260C>T on transcript NM_000071.3 (MANE Select); coding-DNA position 260, C replaced by T.
Protein change: p.Thr87Ile; replaces threonine 87 with isoleucine.
Molecular consequence: missense variant.
Genome position (GRCh38, 1-based): chr21:43,068,565, G>A on the plus strand (C>T on the coding strand, the complement: CBS is on the minus strand). VCF-style: chr21-43068565-G-A. GRCh37 (hg19) VCF-style: chr21-44488675-G-A.
Other names: c.260C>T, p.Thr87Ile (NM_001178008.3, NM_001178009.3, NM_001320298.2); short protein forms T87I.
Identifiers: ClinVar variation 2452200 (VCV002452200.2), dbSNP rs1239864776, ClinGen allele CA410602100.

ClinVar aggregate classification (germline): Uncertain significance (1 of 4 stars; one submission).

Conditions:
Familial thoracic aortic aneurysm and aortic dissection (TAAD). Also called: Thoracic aortic aneurysms and dissections. Identifiers: Orphanet 91387, MedGen C4707243, MONDO:0019625.

Submission:

Ambry Genetics
Classification: Uncertain significance for Familial thoracic aortic aneurysm and aortic dissection. Last evaluated: 2022-12-13. Review status: criteria provided, single submitter. Criteria: Ambry Variant Classification Scheme 2023. Collection method: clinical testing. Allele origin: germline.
Comment: The p.T87I variant (also known as c.260C>T), located in coding exon 2 of the CBS gene, results from a C to T substitution at nucleotide position 260. The threonine at codon 87 is replaced by isoleucine, an amino acid with similar properties. This amino acid position is highly conserved in available vertebrate species. In addition, this alteration is predicted to be deleterious by in silico analysis. Since supporting evidence is limited at this time, the clinical significance of this alteration remains unclear.

Literature cited by the submitters: PubMed 32000841.